The following is an entry in ClinVar:

NM_001286.5(CLCN6):c.1516G>A (p.Val506Ile)

Gene: CLCN6 (chloride voltage-gated channel 6; plus strand). Cytogenetic location: 1p36.22.
Variant type: single nucleotide variant.
Coding change: c.1516G>A on transcript NM_001286.5 (MANE Select); coding-DNA position 1516, G replaced by A.
Protein change: p.Val506Ile; replaces valine 506 with isoleucine.
Molecular consequence: missense variant. On other transcripts: non-coding transcript variant (1).
Genome position (GRCh38, 1-based): chr1:11,834,020, G>A. VCF-style: chr1-11834020-G-A. GRCh37 (hg19) VCF-style: chr1-11894077-G-A.
Other names: c.1450G>A, p.Val484Ile (NM_001256959.2); short protein forms V484I, V506I.
Identifiers: ClinVar variation 2626937 (VCV002626937.1), dbSNP rs2523154150, ClinGen allele CA338435644.

ClinVar aggregate classification (germline): Uncertain significance (1 of 4 stars; one submission).

Allele frequency attached by ClinVar (database versions not stated): gnomAD exomes below 0.00001.
gnomAD v4.1: 1 of 1,614,072 alleles (0.000062%); highest among the groups gnomAD compares: Non-Finnish European, 0.000085%; no homozygotes.

Submission:

Greenwood Genetic Center Diagnostic Laboratories, Greenwood Genetic Center
Classification: Uncertain significance. Last evaluated: 2023-09-13. Review status: criteria provided, single submitter. Criteria: ACMG Guidelines, 2015. Collection method: clinical testing. Allele origin: germline. Affected: yes.
Comment: PM2